The following is an entry in ClinVar:

ClinVar aggregate classification (germline): Likely benign. Review status: criteria provided, multiple submitters, no conflicts (2 of 4 stars). 4 submissions from 4 submitters: Likely benign (3). 1 of the submissions does not count toward it. Last evaluated 2025-06-11.

Conditions:
Methylmalonate semialdehyde dehydrogenase deficiency (MMSDHD). Also called: MMSDH DEFICIENCY. Identifiers: Orphanet 289307, MedGen C3279840, MONDO:0013579, OMIM 614105.
Inborn genetic diseases. Identifiers: MedGen C0950123, MeSH D030342.
ALDH6A1-related disorder. Also called: ALDH6A1-related condition.

Allele frequency attached by ClinVar (database versions not stated): gnomAD 0.00022; TOPMed 0.00037; 1000 Genomes Project 0.00040; 1000 Genomes Project 30x 0.00047.
gnomAD v4.1: 178 of 1,614,088 alleles (0.011%); highest among the groups gnomAD compares: East Asian, 0.29%; no homozygotes.

Submissions (4):

Labcorp Genetics (formerly Invitae), Labcorp
Classification: Likely benign. Last evaluated: 2025-06-11. Review status: criteria provided, single submitter. Criteria: Invitae Variant Classification Sherloc (09022015). Collection method: clinical testing. Allele origin: germline.

Ambry Genetics
Classification: Likely benign for Inborn genetic diseases. Last evaluated: 2023-05-10. Review status: criteria provided, single submitter. Criteria: Ambry Variant Classification Scheme 2023. Collection method: clinical testing. Allele origin: germline.

Illumina Laboratory Services, Illumina
Classification: Likely benign for Methylmalonate semialdehyde dehydrogenase deficiency. Last evaluated: 2018-01-13. Review status: criteria provided, single submitter. Criteria: ICSL Variant Classification Criteria 13 December 2019. Collection method: clinical testing. Allele origin: germline.
Comment: This variant was observed in the ICSL laboratory as part of a predisposition screen in an ostensibly healthy population. It had not been previously curated by ICSL or reported in the Human Gene Mutation Database (HGMD: prior to June 1st, 2018), and was therefore a candidate for classification through an automated scoring system. Utilizing variant allele frequency, disease prevalence and penetrance estimates, and inheritance mode, an automated score was calculated to assess if this variant is too frequent to cause the disease. Based on the score and internal cut-off values, a variant classified as likely benign is not then subjected to further curation. The score for this variant resulted in a classification of likely benign for this disease.

PreventionGenetics, part of Exact Sciences
Classification: Likely benign for ALDH6A1-related condition. Last evaluated: 2022-03-31. Review status: no assertion criteria provided. Collection method: clinical testing. Allele origin: germline. Not counted in ClinVar's aggregate classification.
Comment: This variant is classified as likely benign based on ACMG/AMP sequence variant interpretation guidelines (Richards et al. 2015 PMID: 25741868, with internal and published modifications).

NM_005589.4(ALDH6A1):c.97T>A (p.Phe33Ile)

Genes: ALDH6A1 (aldehyde dehydrogenase 6 family member A1; minus strand), BBOF1 (basal body orientation factor 1; plus strand). Cytogenetic location: 14q24.3.
Variant type: single nucleotide variant.
Coding change: c.97T>A on transcript NM_005589.4 (MANE Select); coding-DNA position 97, T replaced by A.
Protein change: p.Phe33Ile; replaces phenylalanine 33 with isoleucine.
Molecular consequence: missense variant. On other transcripts: 5 prime UTR variant (1).
Genome position (GRCh38, 1-based): chr14:74,074,969, A>T on the plus strand (T>A on the coding strand, the complement: ALDH6A1 is on the minus strand). VCF-style: chr14-74074969-A-T. GRCh37 (hg19) VCF-style: chr14-74541672-A-T.
Other names: c.97T>A, p.Phe33Ile (NM_001278593.2); c.-529T>A (NM_001278594.2); c.97T>A (NM_005589.2); short protein forms F33I.
Identifiers: ClinVar variation 795137 (VCV000795137.16), dbSNP rs182720934, ClinGen allele CA7265961.